The following is an entry in ClinVar:

ClinVar aggregate classification (germline): Uncertain significance (1 of 4 stars; one submission).

Conditions:
Centromeric instability of chromosomes 1,9 and 16 and immunodeficiency (ICF1). Also called: CENTROMERIC INSTABILITY, IMMUNODEFICIENCY SYNDROME; Immunodeficiency-centromeric instability-facial anomalies; IMMUNE DEFICIENCY, VARIABLE, WITH CENTROMERIC INSTABILITY OF CHROMOSOMES 1, 9, AND 16; IMMUNODEFICIENCY SYNDROME, VARIABLE. Identifiers: Orphanet 2268, MedGen C0398788, MONDO:0000133.

Submission:

Labcorp Genetics (formerly Invitae), Labcorp
Classification: Uncertain significance for Centromeric instability of chromosomes 1,9 and 16 and immunodeficiency. Last evaluated: 2022-01-10. Review status: criteria provided, single submitter. Criteria: Invitae Variant Classification Sherloc (09022015). Collection method: clinical testing. Allele origin: germline.
Comment: This sequence change replaces leucine, which is neutral and non-polar, with serine, which is neutral and polar, at codon 370 of the DNMT3B protein (p.Leu370Ser). This variant is not present in population databases (gnomAD no frequency). This variant has not been reported in the literature in individuals affected with DNMT3B-related conditions. Algorithms developed to predict the effect of missense changes on protein structure and function are either unavailable or do not agree on the potential impact of this missense change (SIFT: "Deleterious"; PolyPhen-2: "Benign"; Align-GVGD: "Class C0"). In summary, the available evidence is currently insufficient to determine the role of this variant in disease. Therefore, it has been classified as a Variant of Uncertain Significance.

NM_006892.4(DNMT3B):c.1109T>C (p.Leu370Ser)

Gene: DNMT3B (DNA methyltransferase 3 beta; plus strand). Cytogenetic location: 20q11.21.
Variant type: single nucleotide variant.
Coding change: c.1109T>C on transcript NM_006892.4 (MANE Select); coding-DNA position 1109, T replaced by C.
Protein change: p.Leu370Ser; replaces leucine 370 with serine.
Molecular consequence: missense variant. On other transcripts: intron variant (5).
Genome position (GRCh38, 1-based): chr20:32,793,578, T>C. VCF-style: chr20-32793578-T-C. GRCh37 (hg19) VCF-style: chr20-31381384-T-C.
Other names: c.1066+808T>C (NM_175848.2, NM_175849.2); c.940+808T>C (NM_001207055.2); c.838+808T>C (NM_001207056.2); c.1102+808T>C (NM_175850.3); short protein forms L370S.
Identifiers: ClinVar variation 2067220 (VCV002067220.4), dbSNP rs2515578507, ClinGen allele CA408590231.